The following is an entry in ClinVar:

NM_000038.6(APC):c.3568T>G (p.Ser1190Ala)

Gene: APC (APC regulator of Wnt signaling pathway; plus strand). Cytogenetic location: 5q22.2.
Variant type: single nucleotide variant.
Coding change: c.3568T>G on transcript NM_000038.6 (MANE Select); coding-DNA position 3568, T replaced by G.
Protein change: p.Ser1190Ala; replaces serine 1190 with alanine.
Molecular consequence: missense variant.
Genome position (GRCh38, 1-based): chr5:112,839,162, T>G. VCF-style: chr5-112839162-T-G. GRCh37 (hg19) VCF-style: chr5-112174859-T-G.
Other names: c.3568T>G, p.Ser1190Ala (NM_001127510.3, NM_001354895.2); c.3514T>G, p.Ser1172Ala (NM_001127511.3); c.3622T>G, p.Ser1208Ala (NM_001354896.2); c.3598T>G, p.Ser1200Ala (NM_001354897.2); c.3493T>G, p.Ser1165Ala (NM_001354898.2); c.3484T>G, p.Ser1162Ala (NM_001354899.2); c.3445T>G, p.Ser1149Ala (NM_001354900.2); c.3391T>G, p.Ser1131Ala (NM_001354901.2); and 5 more; short protein forms S1089A, S1162A, S1165A, S1172A, S1190A, S1200A, S1208A, S1030A.
Identifiers: ClinVar variation 647569 (VCV000647569.10), dbSNP rs1580637151, ClinGen allele CA16029171.

ClinVar aggregate classification (germline): Uncertain significance (1 of 4 stars; one submission).

Conditions:
Familial adenomatous polyposis 1 (FAP1). Also called: FAMILIAL ADENOMATOUS POLYPOSIS 1, ATTENUATED; POLYPOSIS, ADENOMATOUS INTESTINAL. Identifiers: MedGen C2713442, MONDO:0021056, OMIM 175100. Disease mechanism: loss of function.

Submission:

Labcorp Genetics (formerly Invitae), Labcorp
Classification: Uncertain significance for Familial adenomatous polyposis 1. Last evaluated: 2024-06-17. Review status: criteria provided, single submitter. Criteria: Invitae Variant Classification Sherloc (09022015). Collection method: clinical testing. Allele origin: germline.
Comment: This sequence change replaces serine, which is neutral and polar, with alanine, which is neutral and non-polar, at codon 1190 of the APC protein (p.Ser1190Ala). This variant is not present in population databases (gnomAD no frequency). This variant has not been reported in the literature in individuals affected with APC-related conditions. ClinVar contains an entry for this variant (Variation ID: 647569). Advanced modeling of protein sequence and biophysical properties (such as structural, functional, and spatial information, amino acid conservation, physicochemical variation, residue mobility, and thermodynamic stability) performed at Invitae indicates that this missense variant is not expected to disrupt APC protein function with a negative predictive value of 95%. In summary, the available evidence is currently insufficient to determine the role of this variant in disease. Therefore, it has been classified as a Variant of Uncertain Significance.